The following is an entry in ClinVar:

NM_020632.3(ATP6V0A4):c.2430-19G>A

Gene: ATP6V0A4 (ATPase H+ transporting V0 subunit a4; minus strand). Cytogenetic location: 7q34.
Variant type: single nucleotide variant.
Coding change: c.2430-19G>A on transcript NM_020632.3 (MANE Select); 19 bases into the intron before coding-DNA position 2430, G replaced by A.
Molecular consequence: intron variant.
Genome position (GRCh38, 1-based): chr7:138,706,736, C>T on the plus strand (G>A on the coding strand, the complement: ATP6V0A4 is on the minus strand). VCF-style: chr7-138706736-C-T. GRCh37 (hg19) VCF-style: chr7-138391481-C-T.
Other names: c.2430-19G>A (NM_130840.3, NM_130841.3).
Identifiers: ClinVar variation 2585202 (VCV002585202.5), dbSNP rs770624630, ClinGen allele CA4504412.

ClinVar aggregate classification (germline): Conflicting classifications of pathogenicity. Review status: criteria provided, conflicting classifications (1 of 4 stars). 5 submissions from 5 submitters: Likely pathogenic (1); Uncertain significance (4). Last evaluated 2025-12-01.

Conditions:
Renal tubulopathies.
Renal tubular acidosis, distal, 3, with or without sensorineural hearing loss (DRTA3). Identifiers: MedGen C5399980, MONDO:0011268, OMIM 602722.

Allele frequency attached by ClinVar (database versions not stated): ExAC 0.00001.

Submissions (5):

3billion
Classification: Uncertain significance for Renal tubular acidosis, distal, 3, with or without sensorineural hearing loss. Last evaluated: 2025-12-01. Review status: criteria provided, single submitter. Criteria: ACMG Guidelines, 2015. Collection method: clinical testing. Allele origin: germline. Affected: yes.
Comment: The variant is observed at an extremely low frequency in the gnomAD v4.1.0 dataset (total allele frequency: <0.001%). Predicted Consequence/Location: Canonical splice site: predicted to alter splicing and result in a loss or disruption of normal protein function. Multiple pathogenic loss-of-function variants are reported downstream of the variant. In silico tools predict the variant to alter splicing and produce an abnormal transcript [SpliceAI: 1.00 (spliceogenicity >=0.2, non-spliceogenicity <0.1)]. The variant has been reported at least twice as pathogenic with clinical assertions and evidence for the classification (ClinVar ID: VCV001323843 /PMID: 10973252). Therefore, this variant is classified as Pathogenic according to the recommendation of ACMG/AMP guideline.

Genetics Laboratory, Great Ormond Street Hospital NHS Foundation Trust, North Thames Genomic Laboratory Hub
Classification: Likely pathogenic for Renal tubulopathies. Last evaluated: 2025-11-04. Review status: criteria provided, single submitter. Criteria: ACGS Best Practice Guidelines for Variant Classification in Rare Disease 2024 v1.2. Collection method: clinical testing. Allele origin: germline. Affected: yes.
Comment: PM2_moderate, PP3_supporting, PM3_moderate, PP4_supporting

Revvity Omics, Revvity
Classification: Uncertain significance for Renal tubular acidosis, distal, 3, with or without sensorineural hearing loss. Last evaluated: 2024-10-22. Review status: criteria provided, single submitter. Criteria: ACMG Guidelines, 2015. Collection method: clinical testing. Allele origin: germline.

Blueprint Genetics
Classification: Uncertain significance. Last evaluated: 2022-10-27. Review status: criteria provided, single submitter. Criteria: ACMG Guidelines, 2015. Collection method: clinical testing. Allele origin: germline.

Neuberg Centre For Genomic Medicine, NCGM
Classification: Uncertain significance for Renal tubular acidosis, distal, 3, with or without sensorineural hearing loss. Review status: criteria provided, single submitter. Criteria: ACMG Guidelines, 2015. Collection method: clinical testing. Allele origin: germline. Inheritance: Autosomal recessive inheritance. Affected: yes.
Comment: The splice site variant c.2430-19G>A in ATP6V0A4 gene has not been reported previously as a pathogenic variant nor as a benign variant, to our knowledge. The variant is novel (not in any individuals) in 1000 Genomes and allele frequency of 0.0007993% is reported in gnomAD . The Nucleotide change is predicted as conserved by GERP++ and PhyloP across 100 vertebrates. For these reasons, this variant has been classified as Uncertain Significance .